The following is an entry in ClinVar:

NM_006939.4(SOS2):c.3338-4A>G

Gene: SOS2 (SOS Ras/Rho guanine nucleotide exchange factor 2; minus strand). Cytogenetic location: 14q21.3.
Variant type: single nucleotide variant.
Coding change: c.3338-4A>G on transcript NM_006939.4 (MANE Select); 4 bases into the intron before coding-DNA position 3338, A replaced by G.
Molecular consequence: intron variant.
Genome position (GRCh38, 1-based): chr14:50,130,006, T>C on the plus strand (A>G on the coding strand, the complement: SOS2 is on the minus strand). VCF-style: chr14-50130006-T-C. GRCh37 (hg19) VCF-style: chr14-50596724-T-C.
Identifiers: ClinVar variation 542397 (VCV000542397.8), dbSNP rs777684425, ClinGen allele CA7176822.

ClinVar aggregate classification (germline): Uncertain significance (1 of 4 stars; one submission).

Conditions:
Noonan syndrome 9 (NS9). Identifiers: Orphanet 648, MedGen C4225282, MONDO:0014691, OMIM 616559.

Allele frequency attached by ClinVar (database versions not stated): gnomAD exomes 0.00001 and 0.00002; ExAC 0.00002.
gnomAD v4.1: 9 of 1,580,814 alleles (0.00057%); highest among the groups gnomAD compares: South Asian, 0.0023%; no homozygotes.

Submission:

Labcorp Genetics (formerly Invitae), Labcorp
Classification: Uncertain significance for Noonan syndrome 9. Last evaluated: 2024-08-08. Review status: criteria provided, single submitter. Criteria: Invitae Variant Classification Sherloc (09022015). Collection method: clinical testing. Allele origin: germline.
Comment: This sequence change falls in intron 20 of the SOS2 gene. It does not directly change the encoded amino acid sequence of the SOS2 protein. This variant is present in population databases (rs777684425, gnomAD 0.007%). This variant has been observed in individual(s) with SOS2-related conditions (Invitae). ClinVar contains an entry for this variant (Variation ID: 542397). Algorithms developed to predict the effect of sequence changes on RNA splicing suggest that this variant may disrupt the consensus splice site. In summary, the available evidence is currently insufficient to determine the role of this variant in disease. Therefore, it has been classified as a Variant of Uncertain Significance.